The following is an entry in ClinVar:

ClinVar aggregate classification (germline): Uncertain significance (1 of 4 stars; one submission).

Submission:

Labcorp Genetics (formerly Invitae), Labcorp
Classification: Uncertain significance. Last evaluated: 2024-02-12. Review status: criteria provided, single submitter. Criteria: Invitae Variant Classification Sherloc (09022015). Collection method: clinical testing. Allele origin: germline.
Comment: This sequence change replaces isoleucine, which is neutral and non-polar, with asparagine, which is neutral and polar, at codon 267 of the KCNQ5 protein (p.Ile267Asn). This variant is not present in population databases (gnomAD no frequency). This variant has not been reported in the literature in individuals affected with KCNQ5-related conditions. Advanced modeling of protein sequence and biophysical properties (such as structural, functional, and spatial information, amino acid conservation, physicochemical variation, residue mobility, and thermodynamic stability) performed at Invitae indicates that this missense variant is not expected to disrupt KCNQ5 protein function with a negative predictive value of 80%. In summary, the available evidence is currently insufficient to determine the role of this variant in disease. Therefore, it has been classified as a Variant of Uncertain Significance.

NM_019842.4(KCNQ5):c.800T>A (p.Ile267Asn)

Gene: KCNQ5 (potassium voltage-gated channel subfamily Q member 5; plus strand). Cytogenetic location: 6q13.
Variant type: single nucleotide variant.
Coding change: c.800T>A on transcript NM_019842.4 (MANE Select); coding-DNA position 800, T replaced by A.
Protein change: p.Ile267Asn; replaces isoleucine 267 with asparagine.
Molecular consequence: missense variant.
Genome position (GRCh38, 1-based): chr6:73,077,769, T>A. VCF-style: chr6-73077769-T-A. GRCh37 (hg19) VCF-style: chr6-73787492-T-A.
Other names: c.800T>A, p.Ile267Asn (NM_001160130.2, NM_001160132.2, NM_001160133.2 and 1 more transcripts); short protein forms I267N.
Identifiers: ClinVar variation 3640289 (VCV003640289.2).